The following is an entry in ClinVar:

NM_002226.5(JAG2):c.1588G>C (p.Gly530Arg)

Gene: JAG2 (jagged canonical Notch ligand 2; minus strand). Cytogenetic location: 14q32.33.
Variant type: single nucleotide variant.
Coding change: c.1588G>C on transcript NM_002226.5 (MANE Select); coding-DNA position 1588, G replaced by C.
Protein change: p.Gly530Arg; replaces glycine 530 with arginine.
Molecular consequence: missense variant.
Genome position (GRCh38, 1-based): chr14:105,150,618, C>G on the plus strand (G>C on the coding strand, the complement: JAG2 is on the minus strand). VCF-style: chr14-105150618-C-G. GRCh37 (hg19) VCF-style: chr14-105616955-C-G.
Other names: c.1474G>C, p.Gly492Arg (NM_145159.3); short protein forms G492R, G530R.
Identifiers: ClinVar variation 2633432 (VCV002633432.1), dbSNP rs2542878179, ClinGen allele CA391271258.

ClinVar aggregate classification (germline): Uncertain significance (1 of 4 stars; one submission).

Conditions:
JAG2-related disorder. Also called: JAG2-related condition.

gnomAD v4.1: 1 of 1,548,816 alleles (0.000065%); no homozygotes.

Submission:

PreventionGenetics, part of Exact Sciences
Classification: Uncertain significance for JAG2-related condition. Last evaluated: 2023-03-22. Review status: criteria provided, single submitter. Criteria: ACMG Guidelines, 2015. Collection method: clinical testing. Allele origin: germline.
Comment: The JAG2 c.1588G>C variant is predicted to result in the amino acid substitution p.Gly530Arg. To our knowledge, this variant has not been reported in the literature or in a large population database, indicating this variant is rare. At this time, the clinical significance of this variant is uncertain due to the absence of conclusive functional and genetic evidence.